The following is an entry in ClinVar:

NM_018906.3(PCDHA3):c.1985C>T (p.Thr662Met)

Genes: PCDHA1 (protocadherin alpha 1; plus strand), PCDHA2 (protocadherin alpha 2; plus strand), PCDHA3 (protocadherin alpha 3; plus strand), PCDHA@ (protocadherin alpha cluster, complex locus; plus strand). Cytogenetic location: 5q31.3.
Variant type: single nucleotide variant.
Coding change: c.1985C>T on transcript NM_018906.3 (MANE Select); coding-DNA position 1985, C replaced by T.
Protein change: p.Thr662Met; replaces threonine 662 with methionine.
Molecular consequence: missense variant. On other transcripts: intron variant (4).
Genome position (GRCh38, 1-based): chr5:140,803,182, C>T. VCF-style: chr5-140803182-C-T. GRCh37 (hg19) VCF-style: chr5-140182767-C-T.
Other names: c.1985C>T, p.Thr662Met (NM_031497.2); c.2394+14498C>T (NM_018900.4); c.1602+15290C>T (NM_031411.3); c.2388+5830C>T (NM_018905.3); c.2389-1878C>T (NM_031496.2); short protein forms T662M.
Identifiers: ClinVar variation 3035851 (VCV003035851.2), dbSNP rs17844261, ClinGen allele CA3446659.
Genomic context (GRCh38, chr5:140,803,182, plus strand): 5'-CCCCGCGCCATCGCCTACTGGTGCTGGTGAAGGACCACGGTGAACCCTCATTGACCGCCA[C>T]GGCCACTGTGCTGGTGTCGCTGGTGGAGAGTGGCCAGGCACCCAAGGCCTCGTCCCAGGC-3'
Protein context (NP_061729.1, residues 652-672): KDHGEPSLTA[Thr662Met]ATVLVSLVES

ClinVar aggregate classification (germline): Benign (0 of 4 stars; one submission).

Conditions:
PCDHA3-related disorder. Also called: PCDHA3-related condition.

Allele frequency attached by ClinVar (database versions not stated): TOPMed 0.00031; ExAC 0.00064; gnomAD 0.00023; 1000 Genomes Project 0.00060; 1000 Genomes Project 30x 0.00062.
gnomAD v4.1: 440 of 1,613,916 alleles (0.027%); highest among the groups gnomAD compares: East Asian, 0.94%; 3 homozygotes.

Submission:

PreventionGenetics, part of Exact Sciences
Classification: Benign for PCDHA3-related condition. Last evaluated: 2019-08-09. Review status: no assertion criteria provided. Collection method: clinical testing. Allele origin: germline.
Comment: This variant is classified as benign based on ACMG/AMP sequence variant interpretation guidelines (Richards et al. 2015 PMID: 25741868, with internal and published modifications).